The following is an entry in ClinVar:

ClinVar aggregate classification (germline): Benign (0 of 4 stars; one submission).

Conditions:
DNAH2-related disorder. Also called: DNAH2-related condition.

Allele frequency attached by ClinVar (database versions not stated): 1000 Genomes Project 30x 0.07261; 1000 Genomes Project 0.07528; ESP Exome Variant Server 0.02899; ExAC 0.03603; gnomAD 0.03804; TOPMed 0.04388.
gnomAD v4.1: 27,448 of 1,613,122 alleles (1.7%); highest among the groups gnomAD compares: East Asian, 21%; 1,540 homozygotes.

Submission:

PreventionGenetics, part of Exact Sciences
Classification: Benign for DNAH2-related condition. Last evaluated: 2024-05-16. Review status: no assertion criteria provided. Collection method: clinical testing. Allele origin: germline.
Comment: This variant is classified as benign based on ACMG/AMP sequence variant interpretation guidelines (Richards et al. 2015 PMID: 25741868, with internal and published modifications).

NM_020877.5(DNAH2):c.3977A>G (p.Glu1326Gly)

Gene: DNAH2 (dynein axonemal heavy chain 2; plus strand). Cytogenetic location: 17p13.1.
Variant type: single nucleotide variant.
Coding change: c.3977A>G on transcript NM_020877.5 (MANE Select); coding-DNA position 3977, A replaced by G.
Protein change: p.Glu1326Gly; replaces glutamic acid 1326 with glycine.
Molecular consequence: missense variant.
Genome position (GRCh38, 1-based): chr17:7,770,287, A>G. VCF-style: chr17-7770287-A-G. GRCh37 (hg19) VCF-style: chr17-7673605-A-G.
Other names: short protein forms E1326G.
Identifiers: ClinVar variation 3059435 (VCV003059435.2), dbSNP rs11868946, ClinGen allele CA8356992.